The following is an entry in ClinVar:

ClinVar aggregate classification (germline): Uncertain significance (1 of 4 stars; one submission).

Conditions:
Generalized epilepsy-paroxysmal dyskinesia syndrome (PNKD3). Also called: Generalized epilepsy and paroxysmal dyskinesia; Paroxysmal nonkinesigenic dyskinesia, 3, with or without generalized epilepsy. Identifiers: Orphanet 79137, MedGen C5574945, MONDO:0012276, OMIM 609446.

Allele frequency attached by ClinVar (database versions not stated): gnomAD exomes below 0.00001; ExAC 0.00001.
gnomAD v4.1: 1 of 1,613,428 alleles (0.000062%); highest among the groups gnomAD compares: Non-Finnish European, 0.000085%; no homozygotes.

Submission:

Labcorp Genetics (formerly Invitae), Labcorp
Classification: Uncertain significance for Generalized epilepsy-paroxysmal dyskinesia syndrome. Last evaluated: 2024-10-29. Review status: criteria provided, single submitter. Criteria: Invitae Variant Classification Sherloc (09022015). Collection method: clinical testing. Allele origin: germline.
Comment: This sequence change replaces lysine, which is basic and polar, with glutamic acid, which is acidic and polar, at codon 112 of the KCNMA1 protein (p.Lys112Glu). This variant is present in population databases (rs769727956, gnomAD 0.01%). This variant has not been reported in the literature in individuals affected with KCNMA1-related conditions. An algorithm developed to predict the effect of missense changes on protein structure and function (PolyPhen-2) suggests that this variant is likely to be disruptive. In summary, the available evidence is currently insufficient to determine the role of this variant in disease. Therefore, it has been classified as a Variant of Uncertain Significance.

NM_001161352.2(KCNMA1):c.334A>G (p.Lys112Glu)

Gene: KCNMA1 (potassium calcium-activated channel subfamily M alpha 1; minus strand). Cytogenetic location: 10q22.3.
Variant type: single nucleotide variant.
Coding change: c.334A>G on transcript NM_001161352.2 (MANE Select); coding-DNA position 334, A replaced by G.
Protein change: p.Lys112Glu; replaces lysine 112 with glutamic acid.
Molecular consequence: missense variant.
Genome position (GRCh38, 1-based): chr10:77,637,309, T>C on the plus strand (A>G on the coding strand, the complement: KCNMA1 is on the minus strand). VCF-style: chr10-77637309-T-C. GRCh37 (hg19) VCF-style: chr10-79397067-T-C.
Other names: c.334A>G, p.Lys112Glu (NM_001014797.3, NM_001161353.2, NM_001271518.2 and 13 more transcripts); short protein forms K112E.
Identifiers: ClinVar variation 2795329 (VCV002795329.3), dbSNP rs769727956, ClinGen allele CA5568767.